The following is an entry in ClinVar:

ClinVar aggregate classification (germline): Uncertain significance (1 of 4 stars; one submission).

Conditions:
Hyperekplexia 3 (HKPX3). Also called: HYPEREKPLEXIA 3, AUTOSOMAL RECESSIVE; HYPEREKPLEXIA 3, AUTOSOMAL DOMINANT. Identifiers: Orphanet 3197, MedGen C3553288, MONDO:0013827, OMIM 614618.

Allele frequency attached by ClinVar (database versions not stated): gnomAD exomes below 0.00001.
gnomAD v4.1: 1 of 1,608,156 alleles (0.000062%); highest among the groups gnomAD compares: Non-Finnish European, 0.000085%; no homozygotes.

Submission:

Labcorp Genetics (formerly Invitae), Labcorp
Classification: Uncertain significance for Hyperekplexia 3. Last evaluated: 2022-07-19. Review status: criteria provided, single submitter. Criteria: Invitae Variant Classification Sherloc (09022015). Collection method: clinical testing. Allele origin: germline.
Comment: This sequence change replaces isoleucine, which is neutral and non-polar, with leucine, which is neutral and non-polar, at codon 688 of the SLC6A5 protein (p.Ile688Leu). In summary, the available evidence is currently insufficient to determine the role of this variant in disease. Therefore, it has been classified as a Variant of Uncertain Significance. Advanced modeling of protein sequence and biophysical properties (such as structural, functional, and spatial information, amino acid conservation, physicochemical variation, residue mobility, and thermodynamic stability) performed at Invitae indicates that this missense variant is not expected to disrupt SLC6A5 protein function. ClinVar contains an entry for this variant (Variation ID: 1487048). This variant has not been reported in the literature in individuals affected with SLC6A5-related conditions. This variant is not present in population databases (gnomAD no frequency).

NM_004211.5(SLC6A5):c.2062A>C (p.Ile688Leu)

Gene: SLC6A5 (solute carrier family 6 member 5; plus strand). Cytogenetic location: 11p15.1.
Variant type: single nucleotide variant.
Coding change: c.2062A>C on transcript NM_004211.5 (MANE Select); coding-DNA position 2062, A replaced by C.
Protein change: p.Ile688Leu; replaces isoleucine 688 with leucine.
Molecular consequence: missense variant.
Genome position (GRCh38, 1-based): chr11:20,646,926, A>C. VCF-style: chr11-20646926-A-C. GRCh37 (hg19) VCF-style: chr11-20668472-A-C.
Other names: c.1360A>C, p.Ile454Leu (NM_001318369.2); short protein forms I454L, I688L.
Identifiers: ClinVar variation 1487048 (VCV001487048.6), dbSNP rs2133819327, ClinGen allele CA379919674.